The following is an entry in ClinVar:

NM_000719.7(CACNA1C):c.5852C>T (p.Pro1951Leu)

Genes: CACNA1C (calcium voltage-gated channel subunit alpha1 C; plus strand), CACNA1C-AS1 (CACNA1C antisense RNA 1; minus strand). Cytogenetic location: 12p13.33.
Variant type: single nucleotide variant.
Coding change: c.5852C>T on transcript NM_000719.7 (MANE Select); coding-DNA position 5852, C replaced by T.
Protein change: p.Pro1951Leu; replaces proline 1951 with leucine.
Molecular consequence: missense variant.
Genome position (GRCh38, 1-based): chr12:2,688,514, C>T. VCF-style: chr12-2688514-C-T. GRCh37 (hg19) VCF-style: chr12-2797680-C-T.
Other names: c.5996C>T, p.Pro1999Leu (NM_001129827.2); c.5975C>T, p.Pro1992Leu (NM_001129829.2); c.5957C>T, p.Pro1986Leu (NM_001129830.3, NM_001167624.3); c.5936C>T, p.Pro1979Leu (NM_001129831.2); c.5912C>T, p.Pro1971Leu (NM_001129832.2); c.5909C>T, p.Pro1970Leu (NM_001129833.2, NM_001129834.2, NM_001129835.2); c.5903C>T, p.Pro1968Leu (NM_001129836.2); c.5876C>T, p.Pro1959Leu (NM_001129837.2, NM_001129838.2); and 6 more; short protein forms P1951L, P1959L, P1971L, P1979L, P1940L, P1999L, P1968L, P1986L.
Identifiers: ClinVar variation 4706985 (VCV004706985.1).

ClinVar aggregate classification (germline): Uncertain significance (1 of 4 stars; one submission).

Conditions:
Long QT syndrome (LQTS). Identifiers: MedGen C0023976, MeSH D008133, MONDO:0002442. Disease mechanism: loss of function. Inheritance: Various modes of inheritance.

Submission:

Labcorp Genetics (formerly Invitae), Labcorp
Classification: Uncertain significance for Long QT syndrome. Last evaluated: 2025-07-09. Review status: criteria provided, single submitter. Criteria: Invitae Variant Classification Sherloc (09022015). Collection method: clinical testing. Allele origin: germline.
Comment: This sequence change replaces proline, which is neutral and non-polar, with leucine, which is neutral and non-polar, at codon 1951 of the CACNA1C protein (p.Pro1951Leu). This variant is not present in population databases (gnomAD no frequency). This variant has not been reported in the literature in individuals affected with CACNA1C-related conditions. Invitae Evidence Modeling of protein sequence and biophysical properties (such as structural, functional, and spatial information, amino acid conservation, physicochemical variation, residue mobility, and thermodynamic stability) indicates that this missense variant is not expected to disrupt CACNA1C protein function with a negative predictive value of 95%. In summary, the available evidence is currently insufficient to determine the role of this variant in disease. Therefore, it has been classified as a Variant of Uncertain Significance.